The following is an entry in ClinVar:

ClinVar aggregate classification (germline): Uncertain significance (1 of 4 stars; one submission).

Conditions:
Hereditary cancer-predisposing syndrome. Also called: Hereditary neoplastic syndrome; Neoplastic Syndromes, Hereditary; Tumor predisposition; Hereditary Cancer Syndrome. Identifiers: Orphanet 140162, MedGen C0027672, MeSH D009386, MONDO:0015356.

Submission:

Ambry Genetics
Classification: Uncertain significance for Hereditary cancer-predisposing syndrome. Last evaluated: 2025-08-27. Review status: criteria provided, single submitter. Criteria: Ambry Variant Classification Scheme 2023. Collection method: clinical testing. Allele origin: germline.
Comment: The p.S24R variant (also known as c.70A>C), located in coding exon 2 of the MUTYH gene, results from an A to C substitution at nucleotide position 70. The serine at codon 24 is replaced by arginine, an amino acid with dissimilar properties. This amino acid position is conserved. In addition, this alteration is predicted to be tolerated by in silico analysis. Based on the available evidence, the clinical significance of this variant remains unclear.

NM_001048174.2(MUTYH):c.28A>C (p.Ser10Arg)

Gene: MUTYH (mutY DNA glycosylase; minus strand). Cytogenetic location: 1p34.1.
Variant type: single nucleotide variant.
Coding change: c.28A>C on transcript NM_001048174.2 (MANE Select); coding-DNA position 28, A replaced by C.
Protein change: p.Ser10Arg; replaces serine 10 with arginine.
Molecular consequence: missense variant. On other transcripts: 5 prime UTR variant (7), non-coding transcript variant (7).
Genome position (GRCh38, 1-based): chr1:45,334,478, T>G on the plus strand (A>C on the coding strand, the complement: MUTYH is on the minus strand). VCF-style: chr1-45334478-T-G. GRCh37 (hg19) VCF-style: chr1-45800150-T-G.
Other names: c.28A>C, p.Ser10Arg (NM_001407079.1, NM_001407080.1, NM_001407081.1 and 15 more transcripts); c.-180A>C (NM_001407082.1, NM_001350651.2); c.46A>C, p.Ser16Arg (NM_001407087.1); c.-185A>C (NM_001407091.1, NM_001293192.2, NM_001293196.2); c.70A>C, p.Ser24Arg (NM_012222.3, NM_001128425.2, NM_001293190.2 and 2 more transcripts); c.-244A>C (NM_001350650.2); c.-129A>C (NM_001407075.1); short protein forms S10R, S16R, S24R.
Identifiers: ClinVar variation 4113801 (VCV004113801.1).
Genomic context (GRCh38, chr1:45,334,478, plus strand): 5'-TGTTGTTCTTAGCATGCTTCTGCCTCCCTTCCTGGCTGGCTGCCTGCTTCCTGTGACCAC[T>G]TCCCACGGCTGCTCGTGGCTTCCTCATGATGGCCTGAAACAAAAAGACCCAGCCAAAGCA-3'
Protein context (NP_001041639.1, residues 1-20): MRKPRAAVG[Ser10Arg]GHRKQAASQE